The following is an entry in ClinVar:

NM_001367624.2(ZNF469):c.1641G>C (p.Leu547=)

Gene: ZNF469 (zinc finger protein 469; plus strand). Cytogenetic location: 16q24.2.
Variant type: single nucleotide variant.
Coding change: c.1641G>C on transcript NM_001367624.2 (MANE Select); coding-DNA position 1641, G replaced by C.
Protein change: p.Leu547=; no amino-acid change (leucine 547 retained).
Molecular consequence: synonymous variant.
Genome position (GRCh38, 1-based): chr16:88,429,111, G>C. VCF-style: chr16-88429111-G-C. GRCh37 (hg19) VCF-style: chr16-88495519-G-C.
Other names: NM_001127464.2:c.1641G>C; NM_001127464.1:c.1641G>C.
Identifiers: ClinVar variation 2965672 (VCV002965672.6), dbSNP rs1262974640, ClinGen allele CA497352499.

ClinVar aggregate classification (germline): Likely benign. Review status: criteria provided, multiple submitters, no conflicts (2 of 4 stars). 3 submissions from 3 submitters: Likely benign (2). 1 of the submissions does not count toward it. Last evaluated 2024-12-13.

Conditions:
ZNF469-related disorder. Also called: ZNF469-related condition.
Cardiovascular phenotype. Identifiers: MedGen CN230736.

Allele frequency attached by ClinVar (database versions not stated): gnomAD exomes 0.00001.
gnomAD v4.1: 17 of 1,549,984 alleles (0.0011%); highest among the groups gnomAD compares: Non-Finnish European, 0.0015%; no homozygotes.

Submissions (3):

Ambry Genetics
Classification: Likely benign for Cardiovascular phenotype. Last evaluated: 2024-12-13. Review status: criteria provided, single submitter. Criteria: Ambry Variant Classification Scheme 2023. Collection method: clinical testing. Allele origin: germline.

Labcorp Genetics (formerly Invitae), Labcorp
Classification: Likely benign. Last evaluated: 2024-09-21. Review status: criteria provided, single submitter. Criteria: Invitae Variant Classification Sherloc (09022015). Collection method: clinical testing. Allele origin: germline.

PreventionGenetics, part of Exact Sciences
Classification: Likely benign for ZNF469-related condition. Last evaluated: 2021-03-29. Review status: no assertion criteria provided. Collection method: clinical testing. Allele origin: germline. Not counted in ClinVar's aggregate classification.
Comment: This variant is classified as likely benign based on ACMG/AMP sequence variant interpretation guidelines (Richards et al. 2015 PMID: 25741868, with internal and published modifications).